The following is an entry in ClinVar:

NM_003000.3(SDHB):c.770T>G (p.Leu257Arg)

Gene: SDHB (succinate dehydrogenase complex iron sulfur subunit B; minus strand). Cytogenetic location: 1p36.13.
Variant type: single nucleotide variant.
Coding change: c.770T>G on transcript NM_003000.3 (MANE Select); coding-DNA position 770, T replaced by G.
Protein change: p.Leu257Arg; replaces leucine 257 with arginine.
Molecular consequence: missense variant.
Genome position (GRCh38, 1-based): chr1:17,018,954, A>C on the plus strand (T>G on the coding strand, the complement: SDHB is on the minus strand). VCF-style: chr1-17018954-A-C. GRCh37 (hg19) VCF-style: chr1-17345449-A-C.
Other names: short protein forms L257R.
Identifiers: ClinVar variation 653894 (VCV000653894.6), dbSNP rs1570942652, ClinGen allele CA338269048.

ClinVar aggregate classification (germline): Uncertain significance (1 of 4 stars; one submission).

Conditions:
Pheochromocytoma/paraganglioma syndrome 4. Also called: SDHB-Related Hereditary Paraganglioma-Pheochromocytoma Syndrome (Paragangliomas 4); SDHB-Related Hereditary Paraganglioma-Pheochromocytoma Syndrome; CAROTID BODY TUMORS AND MULTIPLE EXTRAADRENAL PHEOCHROMOCYTOMAS; PARAGANGLIOMA, FAMILIAL MALIGNANT; PARAGANGLIOMAS, HEREDITARY EXTRAADRENAL; PHEOCHROMOCYTOMA, FAMILIAL EXTRAADRENAL. Identifiers: Orphanet 29072, MedGen C1861848, MONDO:0007273, OMIM 115310.
Pheochromocytoma. Also called: MAX-Related Hereditary Paraganglioma-Pheochromocytoma Syndrome. Identifiers: Orphanet 29072, MedGen C0031511, MONDO:0008233, OMIM 171300, HP:0002666.
Gastrointestinal stromal tumor. Also called: Gastrointestinal stromal tumor, somatic; Gastrointestinal stroma tumor. Identifiers: Orphanet 44890, MedGen C0238198, MeSH D046152, MONDO:0011719, OMIM 606764, HP:0100723.

Submission:

Labcorp Genetics (formerly Invitae), Labcorp
Classification: Uncertain significance for Gastrointestinal stromal tumor; Pheochromocytoma/paraganglioma syndrome 4; Pheochromocytoma. Last evaluated: 2018-10-29. Review status: criteria provided, single submitter. Criteria: Invitae Variant Classification Sherloc (09022015). Collection method: clinical testing. Allele origin: germline.
Comment: This sequence change replaces leucine with arginine at codon 257 of the SDHB protein (p.Leu257Arg). The leucine residue is highly conserved and there is a moderate physicochemical difference between leucine and arginine. In summary, the available evidence is currently insufficient to determine the role of this variant in disease. Therefore, it has been classified as a Variant of Uncertain Significance. Algorithms developed to predict the effect of missense changes on protein structure and function (SIFT, PolyPhen-2, Align-GVGD) all suggest that this variant is likely to be disruptive, but these predictions have not been confirmed by published functional studies and their clinical significance is uncertain. This variant has not been reported in the literature in individuals with SDHB-related disease. This variant is not present in population databases (ExAC no frequency).